The following is an entry in ClinVar:

NM_006648.4(WNK2):c.5650A>G (p.Asn1884Asp)

Gene: WNK2 (WNK lysine deficient protein kinase 2; plus strand). Cytogenetic location: 9q22.31.
Variant type: single nucleotide variant.
Coding change: c.5650A>G on transcript NM_006648.4 (MANE Select); coding-DNA position 5650, A replaced by G.
Protein change: p.Asn1884Asp; replaces asparagine 1884 with aspartic acid.
Molecular consequence: missense variant.
Genome position (GRCh38, 1-based): chr9:93,293,115, A>G. VCF-style: chr9-93293115-A-G. GRCh37 (hg19) VCF-style: chr9-96055397-A-G.
Other names: c.5761A>G, p.Asn1921Asp (NM_001282394.3); short protein forms N1921D, N1884D.
Identifiers: ClinVar variation 5031943 (VCV005031943.1).

ClinVar aggregate classification (germline): Uncertain significance (1 of 4 stars; one submission).

Submission:

Ambry Genetics
Classification: Uncertain significance. Last evaluated: 2026-08-23. Review status: criteria provided, single submitter. Criteria: Ambry Variant Classification Scheme 2023. Collection method: clinical testing. Allele origin: germline.
Comment: The p.N1884D variant (also known as c.5650A>G), located in coding exon 22 of the WNK2 gene, results from an A to G substitution at nucleotide position 5650. The asparagine at codon 1884 is replaced by aspartic acid, an amino acid with highly similar properties. This amino acid position is conserved. In addition, the in silico prediction for this alteration is inconclusive. Based on the available evidence, the clinical significance of this variant remains unclear.